The following is an entry in ClinVar:

ClinVar aggregate classification (germline): Likely pathogenic (1 of 4 stars; one submission).

Conditions:
Meier-Gorlin syndrome 7. Identifiers: Orphanet 2554, MedGen C4310738, MONDO:0014894, OMIM 617063. Disease mechanism: loss of function.

Submission:

Juno Genomics, Hangzhou Juno Genomics, Inc
Classification: Likely pathogenic for Meier-Gorlin syndrome 7. Review status: criteria provided, single submitter. Criteria: ACMG Guidelines, 2015. Collection method: clinical testing. Allele origin: germline.
Comment: Null variant in a gene where loss of function (LOF) is a known mechanism of disease.;Absent from controls (or at extremely low frequency if recessive) in Genome Aggregation Database.

NM_003504.5(CDC45):c.487-2A>G

Gene: CDC45 (cell division cycle 45; plus strand). Cytogenetic location: 22q11.21.
Variant type: single nucleotide variant.
Coding change: c.487-2A>G on transcript NM_003504.5 (MANE Select); the canonical splice acceptor site of the intron before coding-DNA position 487, A replaced by G.
Molecular consequence: splice acceptor variant.
Genome position (GRCh38, 1-based): chr22:19,494,325, A>G. VCF-style: chr22-19494325-A-G. GRCh37 (hg19) VCF-style: chr22-19481848-A-G.
Other names: c.451-2A>G (NM_001369291.1); c.487-2A>G (NM_001178010.2); c.349-2A>G (NM_001178011.2).
Identifiers: ClinVar variation 5006440 (VCV005006440.2).